The following is an entry in ClinVar:

NM_006060.6(IKZF1):c.1320C>T (p.Ala440=)

Gene: IKZF1 (IKAROS family zinc finger 1; plus strand). Cytogenetic location: 7p12.2.
Variant type: single nucleotide variant.
Coding change: c.1320C>T on transcript NM_006060.6 (MANE Select); coding-DNA position 1320, C replaced by T.
Protein change: p.Ala440=; no amino-acid change (alanine 440 retained).
Molecular consequence: synonymous variant.
Genome position (GRCh38, 1-based): chr7:50,400,387, C>T. VCF-style: chr7-50400387-C-T. GRCh37 (hg19) VCF-style: chr7-50468085-C-T.
Other names: c.1194C>T, p.Ala398= (NM_001220765.3, NM_001291837.2); c.1029C>T, p.Ala343= (NM_001220767.2); c.1059C>T, p.Ala353= (NM_001220768.2, NM_001291838.2); c.903C>T, p.Ala301= (NM_001220770.2); c.891C>T, p.Ala297= (NM_001220771.2, NM_001291841.1); c.933C>T, p.Ala311= (NM_001291839.2); c.630C>T, p.Ala210= (NM_001291840.1); c.861C>T, p.Ala287= (NM_001291842.1); and 3 more.
Identifiers: ClinVar variation 2824789 (VCV002824789.3), dbSNP rs1817855915, ClinGen allele CA455161292.

ClinVar aggregate classification (germline): Uncertain significance (1 of 4 stars; one submission).

gnomAD v4.1: 3 of 1,613,266 alleles (0.00019%); highest among the groups gnomAD compares: Non-Finnish European, 0.00017%; no homozygotes.

Submission:

Labcorp Genetics (formerly Invitae), Labcorp
Classification: Uncertain significance. Last evaluated: 2022-12-29. Review status: criteria provided, single submitter. Criteria: Invitae Variant Classification Sherloc (09022015). Collection method: clinical testing. Allele origin: germline.
Comment: This variant has not been reported in the literature in individuals affected with IKZF1-related conditions. In summary, the available evidence is currently insufficient to determine the role of this variant in disease. Therefore, it has been classified as a Variant of Uncertain Significance. Experimental studies and prediction algorithms are not available or were not evaluated, and the functional significance of this variant is currently unknown. This variant is not present in population databases (gnomAD no frequency). This sequence change affects codon 440 of the IKZF1 mRNA. It is a 'silent' change, meaning that it does not change the encoded amino acid sequence of the IKZF1 protein.